The following is an entry in ClinVar:

ClinVar aggregate classification (germline): Uncertain significance (1 of 4 stars; one submission).

Allele frequency attached by ClinVar (database versions not stated): gnomAD exomes below 0.00001.
gnomAD v4.1: 1 of 1,614,188 alleles (0.000062%); highest among the groups gnomAD compares: Non-Finnish European, 0.000085%; no homozygotes.

Submission:

Labcorp Genetics (formerly Invitae), Labcorp
Classification: Uncertain significance. Last evaluated: 2022-08-22. Review status: criteria provided, single submitter. Criteria: Invitae Variant Classification Sherloc (09022015). Collection method: clinical testing. Allele origin: germline.
Comment: This variant is not present in population databases (gnomAD no frequency). In summary, the available evidence is currently insufficient to determine the role of this variant in disease. Therefore, it has been classified as a Variant of Uncertain Significance. Algorithms developed to predict the effect of missense changes on protein structure and function are either unavailable or do not agree on the potential impact of this missense change (SIFT: "Deleterious"; PolyPhen-2: "Probably Damaging"; Align-GVGD: "Class C0"). This variant has not been reported in the literature in individuals affected with RNF43-related conditions. This sequence change replaces cysteine, which is neutral and slightly polar, with arginine, which is basic and polar, at codon 482 of the RNF43 protein (p.Cys482Arg).

NM_017763.6(RNF43):c.1444T>C (p.Cys482Arg)

Gene: RNF43 (ring finger protein 43; minus strand). Cytogenetic location: 17q22.
Variant type: single nucleotide variant.
Coding change: c.1444T>C on transcript NM_017763.6 (MANE Select); coding-DNA position 1444, T replaced by C.
Protein change: p.Cys482Arg; replaces cysteine 482 with arginine.
Molecular consequence: missense variant.
Genome position (GRCh38, 1-based): chr17:58,358,332, A>G on the plus strand (T>C on the coding strand, the complement: RNF43 is on the minus strand). VCF-style: chr17-58358332-A-G. GRCh37 (hg19) VCF-style: chr17-56435693-A-G.
Other names: c.1444T>C, p.Cys482Arg (NM_001305544.3); c.1063T>C, p.Cys355Arg (NM_001305545.2); short protein forms C355R, C482R.
Identifiers: ClinVar variation 1717739 (VCV001717739.5), dbSNP rs2143411940, ClinGen allele CA400329849.